The following is an entry in ClinVar:

NM_002495.4(NDUFS4):c.63dup (p.Val22fs)

Genes: NDUFS4 (NADH:ubiquinone oxidoreductase subunit S4; plus strand), LOC129993885 (ATAC-STARR-seq lymphoblastoid active region 22547; plus strand). Cytogenetic location: 5q11.2.
Variant type: Duplication.
Coding change: c.63dup on transcript NM_002495.4 (MANE Select); coding-DNA position 63, one base duplicated (T; older notation c.63dupT).
Protein change: p.Val22fs; shifts the reading frame from valine 22.
Molecular consequence: frameshift variant. On other transcripts: non-coding transcript variant (3).
Genome position (GRCh38, 1-based): chr5:53,560,725, T duplicated. VCF-style (leftmost placement, unchanged base first): chr5-53560724-C-CT. GRCh37 (hg19) VCF-style: chr5-52856554-C-CT.
Other names: c.63dup, p.Val22fs (NM_001318051.2); short protein forms V22fs.
Identifiers: ClinVar variation 3644759 (VCV003644759.2).
Genomic context (GRCh38, chr5:53,560,724, plus strand): 5'-TGGCGGCGGTGTCAATGTCAGTGGTACTGAGGCAGACGTTGTGGCGGAGAAGGGCAGTGG[C>CT]TGTAGCTGCCCTTTCCGTTTCCAGGGTTCCGACCAGGTAATAGAATTTTCACACTTTTCT-3'

ClinVar aggregate classification (germline): Pathogenic (1 of 4 stars; one submission).

Submission:

Labcorp Genetics (formerly Invitae), Labcorp
Classification: Pathogenic. Last evaluated: 2024-03-06. Review status: criteria provided, single submitter. Criteria: Invitae Variant Classification Sherloc (09022015). Collection method: clinical testing. Allele origin: germline.
Comment: This sequence change creates a premature translational stop signal (p.Val22Cysfs*35) in the NDUFS4 gene. It is expected to result in an absent or disrupted protein product. Loss-of-function variants in NDUFS4 are known to be pathogenic (PMID: 10944442, 16213125). This variant is not present in population databases (gnomAD no frequency). This variant has not been reported in the literature in individuals affected with NDUFS4-related conditions. For these reasons, this variant has been classified as Pathogenic.

Literature cited by the submitters: PubMed 10944442; PubMed 16213125.